The following is an entry in ClinVar:

ClinVar aggregate classification (germline): Likely benign (1 of 4 stars; one submission).

Conditions:
PLXNA1-related disorder. Also called: PLXNA1-related condition.

Submission:

PreventionGenetics, part of Exact Sciences
Classification: Likely benign for PLXNA1-related condition. Last evaluated: 2024-10-23. Review status: criteria provided, single submitter. Criteria: ACMG Guidelines, 2015. Collection method: clinical testing. Allele origin: germline.
Comment: This variant is classified as likely benign based on ACMG/AMP sequence variant interpretation guidelines (Richards et al. 2015 PMID: 25741868, with internal and published modifications).

NM_032242.4(PLXNA1):c.1548G>A (p.Val516=)

Gene: PLXNA1 (plexin A1; plus strand). Cytogenetic location: 3q21.3.
Variant type: single nucleotide variant.
Coding change: c.1548G>A on transcript NM_032242.4 (MANE Select); coding-DNA position 1548, G replaced by A.
Protein change: p.Val516=; no amino-acid change (valine 516 retained).
Molecular consequence: synonymous variant.
Genome position (GRCh38, 1-based): chr3:127,004,640, G>A. VCF-style: chr3-127004640-G-A. GRCh37 (hg19) VCF-style: chr3-126723483-G-A.
Identifiers: ClinVar variation 4999191 (VCV004999191.1).